The following is an entry in ClinVar:

ClinVar aggregate classification (germline): Uncertain significance (1 of 4 stars; one submission).

Conditions:
Charcot-Marie-Tooth disease dominant intermediate C (CMTDIC). Also called: CHARCOT-MARIE-TOOTH NEUROPATHY, DOMINANT INTERMEDIATE C. Identifiers: Orphanet 100045, MedGen C1842237, MONDO:0012012, OMIM 608323.

Submission:

Labcorp Genetics (formerly Invitae), Labcorp
Classification: Uncertain significance for Charcot-Marie-Tooth disease, dominant intermediate C. Last evaluated: 2019-12-18. Review status: criteria provided, single submitter. Criteria: Invitae Variant Classification Sherloc (09022015). Collection method: clinical testing. Allele origin: germline.
Comment: This variant is a gross deletion of the genomic region encompassing exons 2-3 of the YARS gene. This creates a premature translational stop signal and is expected to result in an absent or disrupted protein product. This deletion has not been reported in the literature in an individual with a YARS-related disease. The current clinical and genetic evidence is not sufficient to establish whether loss-of-function variants in YARS cause disease. Therefore, this variant has been classified as a Variant of Uncertain Significance.

NC_000001.11:g.(?_32810581)_(32811067_?)del

Gene: YARS1 (tyrosyl-tRNA synthetase 1; minus strand). Cytogenetic location: 1p35.1.
Variant type: Deletion.
Identifiers: ClinVar variation 831669 (VCV000831669.1).